The following is an entry in ClinVar:

NM_001458.5(FLNC):c.7666C>G (p.Pro2556Ala)

Genes: FLNC (filamin C; plus strand), FLNC-AS1 (FLNC antisense RNA 1; minus strand). Cytogenetic location: 7q32.1.
Variant type: single nucleotide variant.
Coding change: c.7666C>G on transcript NM_001458.5 (MANE Select); coding-DNA position 7666, C replaced by G.
Protein change: p.Pro2556Ala; replaces proline 2556 with alanine.
Molecular consequence: missense variant.
Genome position (GRCh38, 1-based): chr7:128,857,222, C>G. VCF-style: chr7-128857222-C-G. GRCh37 (hg19) VCF-style: chr7-128497276-C-G.
Other names: c.7567C>G, p.Pro2523Ala (NM_001127487.2); short protein forms P2523A, P2556A.
Identifiers: ClinVar variation 1402606 (VCV001402606.13), dbSNP rs765967888, ClinGen allele CA4476336.
Genomic context (GRCh38, chr7:128,857,222, plus strand): 5'-GGGGCCTTGTCTGTCACCATTGATGGCCCCTCCAAGGTGCAGCTGGACTGTCGGGAGTGT[C>G]CTGAGGGCCATGTGGTCACTTATACTCCCATGGCCCCTGGCAACTACCTCATTGCCATCA-3'
Protein context (NP_001449.3, residues 2546-2566): SKVQLDCREC[Pro2556Ala]EGHVVTYTPM

ClinVar aggregate classification (germline): Uncertain significance. Review status: criteria provided, multiple submitters, no conflicts (2 of 4 stars). 4 submissions from 4 submitters: Uncertain significance (4). Last evaluated 2025-07-27.

Conditions:
Hypertrophic cardiomyopathy 26. Also called: Cardiomyopathy, familial hypertrophic, 26. Identifiers: Orphanet 75249, MedGen C4310749, MONDO:0014883, OMIM 617047.
Myofibrillar myopathy 5. Also called: FILAMINOPATHY, AUTOSOMAL DOMINANT; Filaminopathy (type). Identifiers: Orphanet 171445, MedGen C1836050, MONDO:0012289, OMIM 609524.
Distal myopathy with posterior leg and anterior hand involvement. Also called: WILLIAMS DISTAL MYOPATHY. Identifiers: Orphanet 63273, MedGen C3279722, MONDO:0013550, OMIM 614065.
Cardiovascular phenotype. Identifiers: MedGen CN230736.

gnomAD v4.1: 1 of 1,613,964 alleles (0.000062%); highest among the groups gnomAD compares: African/African-American, 0.0013%; no homozygotes.

Submissions (4):

Labcorp Genetics (formerly Invitae), Labcorp
Classification: Uncertain significance for Distal myopathy with posterior leg and anterior hand involvement; Myofibrillar myopathy 5; Hypertrophic cardiomyopathy 26. Last evaluated: 2025-07-27. Review status: criteria provided, single submitter. Criteria: Invitae Variant Classification Sherloc (09022015). Collection method: clinical testing. Allele origin: germline.
Comment: This sequence change replaces proline, which is neutral and non-polar, with alanine, which is neutral and non-polar, at codon 2556 of the FLNC protein (p.Pro2556Ala). This variant is present in population databases (rs765967888, gnomAD 0.008%). This variant has not been reported in the literature in individuals affected with FLNC-related conditions. ClinVar contains an entry for this variant (Variation ID: 1402606). Invitae Evidence Modeling of protein sequence and biophysical properties (such as structural, functional, and spatial information, amino acid conservation, physicochemical variation, residue mobility, and thermodynamic stability) indicates that this missense variant is not expected to disrupt FLNC protein function with a negative predictive value of 95%. In summary, the available evidence is currently insufficient to determine the role of this variant in disease. Therefore, it has been classified as a Variant of Uncertain Significance.

GeneDx
Classification: Uncertain significance. Last evaluated: 2024-07-09. Review status: criteria provided, single submitter. Criteria: GeneDx Variant Classification Process June 2021. Collection method: clinical testing. Allele origin: germline. Affected: yes.
Comment: Not observed at significant frequency in large population cohorts (gnomAD); In silico analysis supports that this missense variant has a deleterious effect on protein structure/function; Has not been previously published as pathogenic or benign to our knowledge

Ambry Genetics
Classification: Uncertain significance for Cardiovascular phenotype. Last evaluated: 2024-01-22. Review status: criteria provided, single submitter. Criteria: Ambry Variant Classification Scheme 2023. Collection method: clinical testing. Allele origin: germline.
Comment: The p.P2556A variant (also known as c.7666C>G), located in coding exon 46 of the FLNC gene, results from a C to G substitution at nucleotide position 7666. The proline at codon 2556 is replaced by alanine, an amino acid with highly similar properties. This amino acid position is conserved. In addition, the in silico prediction for this alteration is inconclusive. Based on the available evidence, the clinical significance of this alteration remains unclear.

Revvity Omics, Revvity
Classification: Uncertain significance. Last evaluated: 2023-02-06. Review status: criteria provided, single submitter. Criteria: ACMG Guidelines, 2015. Collection method: clinical testing. Allele origin: germline.